The following is an entry in ClinVar:

NM_000051.4(ATM):c.3064A>T (p.Ile1022Phe)

Gene: ATM (ATM serine/threonine kinase; plus strand). Cytogenetic location: 11q22.3.
Variant type: single nucleotide variant.
Coding change: c.3064A>T on transcript NM_000051.4 (MANE Select); coding-DNA position 3064, A replaced by T.
Protein change: p.Ile1022Phe; replaces isoleucine 1022 with phenylalanine.
Molecular consequence: missense variant.
Genome position (GRCh38, 1-based): chr11:108,271,393, A>T. VCF-style: chr11-108271393-A-T. GRCh37 (hg19) VCF-style: chr11-108142120-A-T.
Other names: c.3064A>T, p.Ile1022Phe (NM_001351834.2); short protein forms I1022F.
Identifiers: ClinVar variation 642570 (VCV000642570.19), dbSNP rs786202470, ClinGen allele CA382547655.

ClinVar aggregate classification (germline): Conflicting classifications of pathogenicity. Review status: criteria provided, conflicting classifications (1 of 4 stars). 4 submissions from 4 submitters: Uncertain significance (2); Likely benign (1). 1 of the submissions does not count toward it. Last evaluated 2025-02-13.

Conditions:
Hereditary cancer-predisposing syndrome. Also called: Neoplastic Syndromes, Hereditary; Hereditary Cancer Syndrome; Hereditary neoplastic syndrome; Tumor predisposition. Identifiers: Orphanet 140162, MedGen C0027672, MeSH D009386, MONDO:0015356.
Ataxia-telangiectasia syndrome (AT). Also called: LOUIS-BAR SYNDROME; Ataxia-telangiectasia, complementation group E; Ataxia-telangiectasia, complementation group D; AT, COMPLEMENTATION GROUP C; Ataxia telangiectasia (A-T); Cerebello-oculocutaneous telangiectasia. Identifiers: Orphanet 100, MedGen C0004135, MONDO:0008840, OMIM 208900.

Submissions (4):

Labcorp Genetics (formerly Invitae), Labcorp
Classification: Likely benign for Ataxia-telangiectasia syndrome. Last evaluated: 2025-02-13. Review status: criteria provided, single submitter. Criteria: Invitae Variant Classification Sherloc (09022015). Collection method: clinical testing. Allele origin: germline.

Color Diagnostics, LLC DBA Color Health
Classification: Uncertain significance for Hereditary cancer-predisposing syndrome. Last evaluated: 2023-12-04. Review status: criteria provided, single submitter. Criteria: ACMG Guidelines, 2015. Collection method: clinical testing. Allele origin: germline.
Comment: This missense variant replaces isoleucine with phenylalanine at codon 1022 of the ATM protein. Computational prediction suggests that this variant may not impact protein structure and function (internally defined REVEL score threshold <= 0.5, PMID: 27666373). To our knowledge, functional studies have not been reported for this variant. This variant has not been reported in individuals affected with ATM-related disorders in the literature. This variant has not been identified in the general population by the Genome Aggregation Database (gnomAD). The available evidence is insufficient to determine the role of this variant in disease conclusively. Therefore, this variant is classified as a Variant of Uncertain Significance.

Ambry Genetics
Classification: Uncertain significance for Hereditary cancer-predisposing syndrome. Last evaluated: 2023-11-16. Review status: criteria provided, single submitter. Criteria: Ambry Variant Classification Scheme 2023. Collection method: clinical testing. Allele origin: germline.
Comment: The p.I1022F variant (also known as c.3064A>T), located in coding exon 19 of the ATM gene, results from an A to T substitution at nucleotide position 3064. The isoleucine at codon 1022 is replaced by phenylalanine, an amino acid with highly similar properties. This amino acid position is not well conserved in available vertebrate species. In addition, this alteration is predicted to be tolerated by in silico analysis. Since supporting evidence is limited at this time, the clinical significance of this alteration remains unclear.

Natera, Inc.
Classification: Uncertain significance for Ataxia-telangiectasia. Last evaluated: 2020-12-17. Review status: no assertion criteria provided. Collection method: clinical testing. Allele origin: germline. Not counted in ClinVar's aggregate classification.